The following is an entry in ClinVar:

NM_006393.2(NEBL):c.(?_1228)-240_(1338_?)+281del

Gene: NEBL (nebulette; minus strand). Cytogenetic location: 10p12.31.
Variant type: Deletion.
Other names: c.(?_1228-240)_(1338+281_?)del (LRG_411t2).
Identifiers: ClinVar variation 180074 (VCV000180074.5).

ClinVar aggregate classification (germline): Uncertain significance (1 of 4 stars; one submission).

Submission:

Laboratory for Molecular Medicine, Mass General Brigham Personalized Medicine
Classification: Uncertain significance. Last evaluated: 2014-10-22. Review status: criteria provided, single submitter. Criteria: LMM Criteria. Collection method: clinical testing. Allele origin: germline. Observed: 1 variant allele.
Comment: The c.(?_1228-240)_(1338+281_?)del variant in NEBL has not been previously repor ted in individuals with cardiomyopathy. This variant is a deletion encompassing exon 13 and is predicted to result in a truncated or absent protein. While misse nse variants in NEBL have been reported in individuals with DCM and endocardial fibroelastosis, and mouse studies provide support for a role of this gene in the etiology of dilated cardiomyopathy (Purevjav 2010), the spectrum of pathogenic variation has not been fully elucidated and it is unclear if this variant will c ontribute to disease. In summary, the clinical significance of the c.(?_1228-240 )_(1338+281_?)del variant is uncertain.